The following is an entry in ClinVar:

NM_013275.6(ANKRD11):c.6061_6069dup (p.Ala2023_Pro2024insSerProAla)

Gene: ANKRD11 (ankyrin repeat domain containing 11; minus strand). Cytogenetic location: 16q24.3.
Variant type: Duplication.
Coding change: c.6061_6069dup on transcript NM_013275.6 (MANE Select); coding-DNA positions 6061 to 6069, 9 bases duplicated (TCTCCTGCC; older notation c.6061_6069dupTCTCCTGCC).
Protein change: p.Ala2023_Pro2024insSerProAla.
Molecular consequence: inframe insertion.
Genome position (GRCh38, 1-based): chr16:89,280,473-89,280,481, GGCAGGAGA duplicated on the plus strand (TCTCCTGCC on the coding strand, the reverse complement: ANKRD11 is on the minus strand); duplicating any 9 consecutive bases within chr16:89,280,473-89,280,484 gives the same sequence; the c. name uses the placement nearest the transcript's 3' end. VCF-style (leftmost placement, unchanged base first): chr16-89280472-G-GGGCAGGAGA. GRCh37 (hg19) VCF-style: chr16-89346880-G-GGGCAGGAGA.
Other names: c.6061_6069dup, p.Ala2023_Pro2024insSerProAla (NM_001256182.2, NM_001256183.2).
Identifiers: ClinVar variation 1751338 (VCV001751338.2), dbSNP rs746078253, ClinGen allele CA8241609.

ClinVar aggregate classification (germline): Uncertain significance (1 of 4 stars; one submission).

Conditions:
Inborn genetic diseases. Identifiers: MedGen C0950123, MeSH D030342.

Submission:

Ambry Genetics
Classification: Uncertain significance for Inborn genetic diseases. Last evaluated: 2018-04-19. Review status: criteria provided, single submitter. Criteria: Ambry Variant Classification Scheme 2023. Collection method: clinical testing. Allele origin: germline.
Comment: The c.6061_6069dupTCTCCTGCC variant (also known as p.S2021_A2023dup), located in coding exon 7 of the ANKRD11 gene, results from an in-frame duplication of TCTCCTGCC at nucleotide positions 6061 to 6069. This results in the duplication of 3 extra residues (SPA) between codons 2021 and 2023. This alteration is predicted to be benign by Provean in silico analyses. Since supporting evidence is limited at this time, the clinical significance of this alteration remains unclear.